The following is an entry in ClinVar:

ClinVar aggregate classification (germline): Uncertain significance. Review status: criteria provided, multiple submitters, no conflicts (2 of 4 stars). 2 submissions from 2 submitters: Uncertain significance (2). Last evaluated 2025-10-21.

Conditions:
Cardiovascular phenotype. Identifiers: MedGen CN230736.
Hereditary cancer-predisposing syndrome. Also called: Neoplastic Syndromes, Hereditary; Tumor predisposition; Hereditary Cancer Syndrome; Hereditary neoplastic syndrome. Identifiers: Orphanet 140162, MedGen C0027672, MeSH D009386, MONDO:0015356.
Neurofibromatosis, type 1 (NF1). Also called: VON RECKLINGHAUSEN DISEASE; NEUROFIBROMATOSIS, TYPE I, SOMATIC; Neurofibromatosis, type I; Peripheral type neurofibromatosis. Identifiers: Orphanet 636, MedGen C0027831, MONDO:0018975, OMIM 162200. Disease mechanism: loss of function.

Submissions (2):

Labcorp Genetics (formerly Invitae), Labcorp
Classification: Uncertain significance for Neurofibromatosis, type 1. Last evaluated: 2025-10-21. Review status: criteria provided, single submitter. Criteria: Invitae Variant Classification Sherloc (09022015). Collection method: clinical testing. Allele origin: germline.
Comment: This sequence change replaces serine, which is neutral and polar, with phenylalanine, which is neutral and non-polar, at codon 1270 of the NF1 protein (p.Ser1270Phe). This variant is not present in population databases (gnomAD no frequency). This variant has not been reported in the literature in individuals affected with NF1-related conditions. ClinVar contains an entry for this variant (Variation ID: 1735121). Invitae Evidence Modeling of protein sequence and biophysical properties (such as structural, functional, and spatial information, amino acid conservation, physicochemical variation, residue mobility, and thermodynamic stability) indicates that this missense variant is expected to disrupt NF1 protein function with a positive predictive value of 95%. In summary, the available evidence is currently insufficient to determine the role of this variant in disease. Therefore, it has been classified as a Variant of Uncertain Significance.

Ambry Genetics
Classification: Uncertain significance for Cardiovascular phenotype; Hereditary cancer-predisposing syndrome. Last evaluated: 2023-08-31. Review status: criteria provided, single submitter. Criteria: Ambry Variant Classification Scheme 2023. Collection method: clinical testing. Allele origin: germline.
Comment: The p.S1270F variant (also known as c.3809C>T), located in coding exon 28 of the NF1 gene, results from a C to T substitution at nucleotide position 3809. The serine at codon 1270 is replaced by phenylalanine, an amino acid with highly dissimilar properties. This amino acid position is highly conserved in available vertebrate species. In addition, this alteration is predicted to be deleterious by in silico analysis. Since supporting evidence is limited at this time, the clinical significance of this alteration remains unclear.

NM_001042492.3(NF1):c.3809C>T (p.Ser1270Phe)

Gene: NF1 (neurofibromin 1; plus strand). Cytogenetic location: 17q11.2.
Variant type: single nucleotide variant.
Coding change: c.3809C>T on transcript NM_001042492.3 (MANE Select); coding-DNA position 3809, C replaced by T.
Protein change: p.Ser1270Phe; replaces serine 1270 with phenylalanine.
Molecular consequence: missense variant.
Genome position (GRCh38, 1-based): chr17:31,235,711, C>T. VCF-style: chr17-31235711-C-T. GRCh37 (hg19) VCF-style: chr17-29562729-C-T.
Other names: c.3809C>T, p.Ser1270Phe (NM_000267.4); short protein forms S1270F.
Identifiers: ClinVar variation 1735121 (VCV001735121.4), dbSNP rs2508259654, ClinGen allele CA398992688.